The following is an entry in ClinVar:

NM_001126108.2(SLC12A3):c.2330G>A (p.Arg777Gln)

Gene: SLC12A3 (solute carrier family 12 member 3; plus strand). Cytogenetic location: 16q13.
Variant type: single nucleotide variant.
Coding change: c.2330G>A on transcript NM_001126108.2 (MANE Select); coding-DNA position 2330, G replaced by A.
Protein change: p.Arg777Gln; replaces arginine 777 with glutamine.
Molecular consequence: missense variant.
Genome position (GRCh38, 1-based): chr16:56,890,318, G>A. VCF-style: chr16-56890318-G-A. GRCh37 (hg19) VCF-style: chr16-56924230-G-A.
Other names: c.2330G>A (NM_000339.2); c.2330G>A, p.Arg777Gln (NM_000339.3); c.2327G>A, p.Arg776Gln (NM_001126107.2, NM_001410896.1); short protein forms R776Q, R777Q.
Identifiers: ClinVar variation 2081452 (VCV002081452.2), dbSNP rs768517795, ClinGen allele CA8069843.

ClinVar aggregate classification (germline): Uncertain significance. Review status: criteria provided, multiple submitters, no conflicts (2 of 4 stars). 2 submissions from 2 submitters: Uncertain significance (2). Last evaluated 2025-08-30.

Conditions:
Inborn genetic diseases. Identifiers: MedGen C0950123, MeSH D030342.

Allele frequency attached by ClinVar (database versions not stated): gnomAD 0.00001; gnomAD exomes 0.00001; ExAC 0.00002; TOPMed 0.00003.
gnomAD v4.1: 22 of 1,614,022 alleles (0.0014%); highest among the groups gnomAD compares: East Asian, 0.0022%; no homozygotes.

Submissions (2):

Ambry Genetics
Classification: Uncertain significance for Inborn genetic diseases. Last evaluated: 2025-08-30. Review status: criteria provided, single submitter. Criteria: Ambry Variant Classification Scheme 2023. Collection method: clinical testing. Allele origin: germline.

Labcorp Genetics (formerly Invitae), Labcorp
Classification: Uncertain significance. Last evaluated: 2020-08-14. Review status: criteria provided, single submitter. Criteria: Invitae Variant Classification Sherloc (09022015). Collection method: clinical testing. Allele origin: germline.
Comment: This sequence change replaces arginine with glutamine at codon 777 of the SLC12A3 protein (p.Arg777Gln). The arginine residue is moderately conserved and there is a small physicochemical difference between arginine and glutamine. This variant is present in population databases (rs768517795, ExAC 0.01%). This variant has not been reported in the literature in individuals with SLC12A3-related conditions. Algorithms developed to predict the effect of missense changes on protein structure and function (SIFT, PolyPhen-2, Align-GVGD) all suggest that this variant is likely to be tolerated, but these predictions have not been confirmed by published functional studies and their clinical significance is uncertain. In summary, the available evidence is currently insufficient to determine the role of this variant in disease. Therefore, it has been classified as a Variant of Uncertain Significance.